The following is an entry in ClinVar:

ClinVar aggregate classification (germline): Benign/Likely benign. Review status: criteria provided, multiple submitters, no conflicts (2 of 4 stars). 2 submissions from 2 submitters: Benign (1); Likely benign (1). Last evaluated 2024-11-12.

Conditions:
Papillary renal cell carcinoma type 1 (RCCP1). Also called: RENAL CELL CARCINOMA, PAPILLARY, 1, SOMATIC; Renal adenocarcinoma; Renal cell carcinoma 1; Renal cell carcinoma, somatic. Identifiers: Orphanet 47044, MedGen C1336839, OMIM 605074, HP:0011797.
Renal cell carcinoma. Identifiers: Orphanet 217071, MedGen C0007134, MeSH D002292, MONDO:0005086, HP:0005584.

Allele frequency attached by ClinVar (database versions not stated): gnomAD exomes below 0.00001.
gnomAD v4.1: 4 of 1,613,838 alleles (0.00025%); highest among the groups gnomAD compares: Non-Finnish European, 0.00034%; no homozygotes.

Submissions (2):

Myriad Genetics, Inc.
Classification: Benign for Papillary renal cell carcinoma type 1. Last evaluated: 2024-11-12. Review status: criteria provided, single submitter. Criteria: Myriad Autosomal Dominant, Autosomal Recessive and X-Linked Classification Criteria (2023). Collection method: clinical testing. Allele origin: unknown.
Comment: This variant is considered benign. This variant is a silent/synonymous amino acid change and it is not expected to impact splicing.

Labcorp Genetics (formerly Invitae), Labcorp
Classification: Likely benign for Renal cell carcinoma. Last evaluated: 2024-03-12. Review status: criteria provided, single submitter. Criteria: Invitae Variant Classification Sherloc (09022015). Collection method: clinical testing. Allele origin: germline.

NM_000245.4(MET):c.2859G>C (p.Leu953=)

Gene: MET (MET proto-oncogene, receptor tyrosine kinase; plus strand). Cytogenetic location: 7q31.2.
Variant type: single nucleotide variant.
Coding change: c.2859G>C on transcript NM_000245.4 (MANE Select); coding-DNA position 2859, G replaced by C.
Protein change: p.Leu953=; no amino-acid change (leucine 953 retained).
Molecular consequence: synonymous variant.
Genome position (GRCh38, 1-based): chr7:116,771,626, G>C. VCF-style: chr7-116771626-G-C. GRCh37 (hg19) VCF-style: chr7-116411680-G-C.
Other names: c.2913G>C, p.Leu971= (NM_001127500.3); c.1569G>C, p.Leu523= (NM_001324402.2).
Identifiers: ClinVar variation 1126785 (VCV001126785.10), dbSNP rs1355100822, ClinGen allele CA457447506.